The following is an entry in ClinVar:

ClinVar aggregate classification (germline): Pathogenic (1 of 4 stars; one submission).

Submission:

Labcorp Genetics (formerly Invitae), Labcorp
Classification: Pathogenic. Last evaluated: 2023-10-03. Review status: criteria provided, single submitter. Criteria: Invitae Variant Classification Sherloc (09022015). Collection method: clinical testing. Allele origin: germline.
Comment: This sequence change creates a premature translational stop signal (p.Glu96Profs*42) in the CFAP410 gene. It is expected to result in an absent or disrupted protein product. Loss-of-function variants in CFAP410 are known to be pathogenic (PMID: 23105016, 26167768). This variant is present in population databases (rs762116812, gnomAD 0.001%). This variant has not been reported in the literature in individuals affected with CFAP410-related conditions. For these reasons, this variant has been classified as Pathogenic.

Literature cited by the submitters: PubMed 23105016; PubMed 26167768.

NM_004928.3(CFAP410):c.285_301delinsACCCGTGCACGAACCCGT (p.Glu96fs)

Gene: CFAP410 (cilia and flagella associated protein 410; minus strand). Cytogenetic location: 21q22.3.
Variant type: Indel.
Coding change: c.285_301delinsACCCGTGCACGAACCCGT on transcript NM_004928.3 (MANE Select); coding-DNA positions 285 to 301, CGAGAACCCGTGCTGCG replaced by ACCCGTGCACGAACCCGT.
Protein change: p.Glu96fs; shifts the reading frame from glutamic acid 96.
Molecular consequence: frameshift variant.
Genome position (GRCh38, 1-based): chr21:44,333,105-44,333,121, CGCAGCACGGGTTCTCG replaced by ACGGGTTCGTGCACGGGT on the plus strand (CGAGAACCCGTGCTGCG replaced by ACCCGTGCACGAACCCGT on the coding strand, the reverse complement: CFAP410 is on the minus strand). GRCh37 (hg19): chr21:45,752,988-45,753,004.
Other names: c.285_301delinsACCCGTGCACGAACCCGT, p.Glu96fs (NM_001271440.2, NM_001271441.2); c.162_178delinsACCCGTGCACGAACCCGT, p.Glu55fs (NM_001271442.1); short protein forms E55fs, E96fs.
Identifiers: ClinVar variation 2042242 (VCV002042242.3), dbSNP rs2518052287, ClinGen allele CA2580098823.